The following is an entry in ClinVar:

NM_000051.4(ATM):c.1309A>T (p.Met437Leu)

Gene: ATM (ATM serine/threonine kinase; plus strand). Cytogenetic location: 11q22.3.
Variant type: single nucleotide variant.
Coding change: c.1309A>T on transcript NM_000051.4 (MANE Select); coding-DNA position 1309, A replaced by T.
Protein change: p.Met437Leu; replaces methionine 437 with leucine.
Molecular consequence: missense variant.
Genome position (GRCh38, 1-based): chr11:108,250,774, A>T. VCF-style: chr11-108250774-A-T. GRCh37 (hg19) VCF-style: chr11-108121501-A-T.
Other names: c.1309A>T, p.Met437Leu (NM_001351834.2); short protein forms M437L.
Identifiers: ClinVar variation 2010709 (VCV002010709.4), dbSNP rs2135318098, ClinGen allele CA382533631.

ClinVar aggregate classification (germline): Uncertain significance (1 of 4 stars; one submission).

Conditions:
Ataxia-telangiectasia syndrome (AT). Also called: Cerebello-oculocutaneous telangiectasia; Immunodeficiency with ataxia telangiectasia; Ataxia telangiectasia (A-T); LOUIS-BAR SYNDROME; Ataxia-telangiectasia, complementation group D; AT, COMPLEMENTATION GROUP C. Identifiers: Orphanet 100, MedGen C0004135, MONDO:0008840, OMIM 208900.

Submission:

Labcorp Genetics (formerly Invitae), Labcorp
Classification: Uncertain significance for Ataxia-telangiectasia syndrome. Last evaluated: 2022-06-25. Review status: criteria provided, single submitter. Criteria: Invitae Variant Classification Sherloc (09022015). Collection method: clinical testing. Allele origin: germline.
Comment: In summary, the available evidence is currently insufficient to determine the role of this variant in disease. Therefore, it has been classified as a Variant of Uncertain Significance. Advanced modeling of protein sequence and biophysical properties (such as structural, functional, and spatial information, amino acid conservation, physicochemical variation, residue mobility, and thermodynamic stability) performed at Invitae indicates that this missense variant is not expected to disrupt ATM protein function. This variant has not been reported in the literature in individuals affected with ATM-related conditions. This variant is not present in population databases (gnomAD no frequency). This sequence change replaces methionine, which is neutral and non-polar, with leucine, which is neutral and non-polar, at codon 437 of the ATM protein (p.Met437Leu).